The following is an entry in ClinVar:

ClinVar aggregate classification (germline): Conflicting classifications of pathogenicity. Review status: criteria provided, conflicting classifications (1 of 4 stars). 4 submissions from 4 submitters: Uncertain significance (2); Likely benign (2). Last evaluated 2025-12-29.

Conditions:
PLCE1-related disorder. Also called: PLCE1-related condition.
Nephrotic syndrome, type 3 (NPHS3). Also called: NEPHROTIC SYNDROME, EARLY-ONSET, TYPE 3. Identifiers: Orphanet 656, MedGen C1853124, MONDO:0012546, OMIM 610725.

Submissions (4):

PreventionGenetics, part of Exact Sciences
Classification: Likely benign for PLCE1-related condition. Last evaluated: 2025-12-29. Review status: criteria provided, single submitter. Criteria: ACMG Guidelines, 2015. Collection method: clinical testing. Allele origin: germline.
Comment: This variant is classified as likely benign based on ACMG/AMP sequence variant interpretation guidelines (Richards et al. 2015 PMID: 25741868, with internal and published modifications).

Labcorp Genetics (formerly Invitae), Labcorp
Classification: Likely benign. Last evaluated: 2022-11-01. Review status: criteria provided, single submitter. Criteria: Invitae Variant Classification Sherloc (09022015). Collection method: clinical testing. Allele origin: germline.

Fulgent Genetics
Classification: Uncertain significance for Nephrotic syndrome, type 3. Last evaluated: 2022-04-27. Review status: criteria provided, single submitter. Criteria: ACMG Guidelines, 2015. Collection method: clinical testing. Allele origin: unknown.

Athena Diagnostics
Classification: Uncertain significance. Last evaluated: 2017-01-31. Review status: criteria provided, single submitter. Criteria: Athena Diagnostics Criteria. Collection method: clinical testing. Allele origin: germline.

NM_016341.4(PLCE1):c.6853GAG[1] (p.Glu2286del)

Genes: NOC3L (NOC3 like DNA replication regulator; minus strand), PLCE1 (phospholipase C epsilon 1; plus strand). Cytogenetic location: 10q23.33.
Variant type: Microsatellite.
Coding change: c.6853GAG[1] on transcript NM_016341.4 (MANE Select); one copy of the 3-base unit GAG starting at c.6853; the reference has two copies in a row; one copy, 3 bases deleted; also written c.6856_6858del.
Protein change: p.Glu2286del; deletes glutamic acid 2286.
Molecular consequence: inframe deletion.
Genome position (GRCh38, 1-based): chr10:94,325,027-94,325,029, GAG deleted; deleting any 3 consecutive bases within chr10:94,325,022-94,325,029 gives the same sequence; the position shown is the placement nearest the transcript's 3' end. VCF-style (leftmost placement, unchanged base first): chr10-94325021-AAGG-A. GRCh37 (hg19) VCF-style: chr10-96084778-AAGG-A.
Other names: c.6856_6858del (NM_016341.4); c.6856_6858delGAG (NM_016341.3); c.5929GAG[1], p.Glu1978del (NM_001165979.2); c.6805GAG[1], p.Glu2270del (NM_001288989.2); short protein forms E2286del, E1978del, E2270del.
Identifiers: ClinVar variation 448044 (VCV000448044.6), dbSNP rs771798085, ClinGen allele CA5613674.